The following is an entry in ClinVar:

NC_000011.9:g.(?_18420958)_(18428828_?)dup

Gene: LDHA (lactate dehydrogenase A; plus strand). Cytogenetic location: 11p15.1.
Variant type: Duplication.
Identifiers: ClinVar variation 2425377 (VCV002425377.4).

ClinVar aggregate classification (germline): Uncertain significance (1 of 4 stars; one submission).

Conditions:
Glycogen storage disease due to lactate dehydrogenase M-subunit deficiency (GSD11). Also called: Glycogen storage disease XI; GSD XI; LACTATE DEHYDROGENASE A DEFICIENCY. Identifiers: Orphanet 284426, MedGen C2931743, MONDO:0013047, OMIM 612933.

Submission:

Labcorp Genetics (formerly Invitae), Labcorp
Classification: Uncertain significance for Glycogen storage disease due to lactate dehydrogenase M-subunit deficiency. Last evaluated: 2022-06-10. Review status: criteria provided, single submitter. Criteria: Invitae Variant Classification Sherloc (09022015). Collection method: clinical testing. Allele origin: germline.
Comment: In summary, the available evidence is currently insufficient to determine the role of this variant in disease. Therefore, it has been classified as a Variant of Uncertain Significance. Experimental studies and prediction algorithms are not available or were not evaluated, and the functional significance of this variant is currently unknown. This variant has not been reported in the literature in individuals affected with LDHA-related conditions. This variant results in a copy number gain of the genomic region encompassing exon(s) 3-8 of the LDHA gene. This region includes the termination codon of the gene. This copy number gain extends beyond the assayed region for this gene and therefore may encompass additional genes. As the precise location of this event is unknown, it may be in tandem or it may be located elsewhere in the genome.